The following is an entry in ClinVar:

NM_000419.5(ITGA2B):c.2167C>T (p.Pro723Ser)

Gene: ITGA2B (integrin subunit alpha 2b; minus strand). Cytogenetic location: 17q21.31.
Variant type: single nucleotide variant.
Coding change: c.2167C>T on transcript NM_000419.5 (MANE Select); coding-DNA position 2167, C replaced by T.
Protein change: p.Pro723Ser; replaces proline 723 with serine.
Molecular consequence: missense variant.
Genome position (GRCh38, 1-based): chr17:44,377,718, G>A on the plus strand (C>T on the coding strand, the complement: ITGA2B is on the minus strand). VCF-style: chr17-44377718-G-A. GRCh37 (hg19) VCF-style: chr17-42455086-G-A.
Other names: short protein forms P723S.
Identifiers: ClinVar variation 1337855 (VCV001337855.5), dbSNP rs773674408, ClinGen allele CA8602807.
Genomic context (GRCh38, chr17:44,377,718, plus strand): 5'-CCCCTGGTGGAGACCCGGTACCACGACCCAGCAGCCTCACCTGGGCGTTCTTCTTCATGG[G>A]GTTGCCCAGCTCACACAGCACCACCCTGGTCTCATTCTCCTTCTTCTGATTACAGATGAG-3'
Protein context (NP_000410.2, residues 713-733): TRVVLCELGN[Pro723Ser]MKKNAQIGIA

ClinVar aggregate classification (germline): Uncertain significance. Review status: criteria provided, multiple submitters, no conflicts (2 of 4 stars). 2 submissions from 2 submitters: Uncertain significance (2). Last evaluated 2025-04-24.

Conditions:
Glanzmann thrombasthenia. Also called: Thrombasthenia; Glanzmann's thrombasthenia; BLEEDING DISORDER, PLATELET-TYPE, 2; THROMBASTHENIA OF GLANZMANN AND NAEGELI; PLATELET GLYCOPROTEIN IIb-IIIa DEFICIENCY. Identifiers: Orphanet 849, MedGen C0040015, MONDO:0100326.

Allele frequency attached by ClinVar (database versions not stated): gnomAD 0.00001; ExAC 0.00002; gnomAD exomes 0.00002; TOPMed 0.00002.

Submissions (2):

Labcorp Genetics (formerly Invitae), Labcorp
Classification: Uncertain significance for Glanzmann thrombasthenia. Last evaluated: 2025-04-24. Review status: criteria provided, single submitter. Criteria: Invitae Variant Classification Sherloc (09022015). Collection method: clinical testing. Allele origin: germline.
Comment: This sequence change replaces proline, which is neutral and non-polar, with serine, which is neutral and polar, at codon 723 of the ITGA2B protein (p.Pro723Ser). This variant is present in population databases (rs773674408, gnomAD 0.005%). This variant has not been reported in the literature in individuals affected with ITGA2B-related conditions. ClinVar contains an entry for this variant (Variation ID: 1337855). Invitae Evidence Modeling of protein sequence and biophysical properties (such as structural, functional, and spatial information, amino acid conservation, physicochemical variation, residue mobility, and thermodynamic stability) indicates that this missense variant is expected to disrupt ITGA2B protein function with a positive predictive value of 95%. In summary, the available evidence is currently insufficient to determine the role of this variant in disease. Therefore, it has been classified as a Variant of Uncertain Significance.

Genetic Services Laboratory, University of Chicago
Classification: Uncertain significance. Last evaluated: 2021-03-05. Review status: criteria provided, single submitter. Criteria: ACMG Guidelines, 2015. Collection method: clinical testing. Allele origin: germline. Affected: no.
Comment: DNA sequence analysis of the ITGA2B gene demonstrated a sequence change, c.2167C>T, in exon 21 that results in an amino acid change, p.Pro723Ser. This sequence change has been described gnomAD with a low population frequency of 0.0024% (dbSNP rs773674408). The p.Pro723Ser change affects a highly conserved amino acid residue located in a domain of the ITGA2B protein that is known to be functional. The p.Pro723Ser substitution appears to be deleterious using several in-silico pathogenicity prediction tools (SIFT, PolyPhen2, REVEL). This sequence change does not appear to have been previously described in patients with ITGA2B-related disorders. Due to the lack of sufficient evidences, the clinical significance of the p.Pro723Ser change remains unknown at this time.